The following is an entry in ClinVar:

ClinVar aggregate classification (germline): Pathogenic (1 of 4 stars; one submission).

Conditions:
Inosine triphosphatase deficiency. Also called: INOSINE TRIPHOSPHATE PYROPHOSPHOHYDROLASE DEFICIENCY. Identifiers: MedGen C0342800, MONDO:0013461, OMIM 613850.

Submission:

Labcorp Genetics (formerly Invitae), Labcorp
Classification: Pathogenic for Inosine triphosphatase deficiency. Last evaluated: 2023-07-07. Review status: criteria provided, single submitter. Criteria: Invitae Variant Classification Sherloc (09022015). Collection method: clinical testing. Allele origin: germline.
Comment: This sequence change creates a premature translational stop signal (p.Gln25*) in the ITPA gene. It is expected to result in an absent or disrupted protein product. Loss-of-function variants in ITPA are known to be pathogenic (PMID: 26224535). This variant is not present in population databases (gnomAD no frequency). This variant has not been reported in the literature in individuals affected with ITPA-related conditions. Algorithms developed to predict the effect of sequence changes on RNA splicing suggest that this variant may disrupt the consensus splice site. For these reasons, this variant has been classified as Pathogenic.

Literature cited by the submitters: PubMed 26224535.

NM_033453.4(ITPA):c.73C>T (p.Gln25Ter)

Gene: ITPA (inosine triphosphatase; plus strand). Cytogenetic location: 20p13.
Variant type: single nucleotide variant.
Coding change: c.73C>T on transcript NM_033453.4 (MANE Select); coding-DNA position 73, C replaced by T.
Protein change: p.Gln25Ter; replaces glutamine 25 with a stop codon.
Molecular consequence: nonsense. On other transcripts: intron variant (4), 5 prime UTR variant (1), non-coding transcript variant (2).
Genome position (GRCh38, 1-based): chr20:3,213,175, C>T. VCF-style: chr20-3213175-C-T. GRCh37 (hg19) VCF-style: chr20-3193821-C-T.
Other names: c.-274-83C>T (NM_001351739.2, NM_001324238.2, NM_001324236.2); c.-265C>T (NM_001324237.2); c.73C>T, p.Gln25Ter (NM_001324240.2, NM_001424408.1); c.199C>T, p.Gln67Ter (NM_001424409.1); c.22C>T, p.Gln8Ter (NM_181493.4); c.67-810C>T (NM_001267623.2); short protein forms Q67*, Q25*, Q8*.
Identifiers: ClinVar variation 2867319 (VCV002867319.3), dbSNP rs2514423602, ClinGen allele CA408076591.